The following is an entry in ClinVar:

ClinVar aggregate classification (germline): Uncertain significance (1 of 4 stars; one submission).

Conditions:
VPS13B-related disorder. Also called: VPS13B-related condition.

gnomAD v4.1: 1 of 1,613,338 alleles (0.000062%); highest among the groups gnomAD compares: Middle Eastern, 0.017%; no homozygotes.

Submission:

PreventionGenetics, part of Exact Sciences
Classification: Uncertain significance for VPS13B-related condition. Last evaluated: 2024-10-16. Review status: criteria provided, single submitter. Criteria: ACMG Guidelines, 2015. Collection method: clinical testing. Allele origin: germline.
Comment: The VPS13B c.2366G>A variant is predicted to result in the amino acid substitution p.Gly789Asp. To our knowledge, this variant has not been reported in the literature or in a large population database (gnomAD), indicating this variant is rare. At this time, the clinical significance of this variant is uncertain due to the absence of conclusive functional and genetic evidence.

NM_152564.5(VPS13B):c.2366G>A (p.Gly789Asp)

Gene: VPS13B (vacuolar protein sorting 13 homolog B; plus strand). Cytogenetic location: 8q22.2.
Variant type: single nucleotide variant.
Coding change: c.2366G>A on transcript NM_152564.5 (MANE Select); coding-DNA position 2366, G replaced by A.
Protein change: p.Gly789Asp; replaces glycine 789 with aspartic acid.
Molecular consequence: missense variant.
Genome position (GRCh38, 1-based): chr8:99,192,908, G>A. VCF-style: chr8-99192908-G-A. GRCh37 (hg19) VCF-style: chr8-100205136-G-A.
Other names: c.2366G>A, p.Gly789Asp (NM_015243.3, NM_017890.5); short protein forms G789D.
Identifiers: ClinVar variation 5000754 (VCV005000754.1).